The following is an entry in ClinVar:

ClinVar aggregate classification (germline): Likely benign. Review status: criteria provided, multiple submitters, no conflicts (2 of 4 stars). 2 submissions from 2 submitters: Likely benign (2). Last evaluated 2025-03-31.

Conditions:
Cardiovascular phenotype. Identifiers: MedGen CN230736.
NKX2-5-related disorder. Also called: NKX2-5-related condition.

Submissions (2):

PreventionGenetics, part of Exact Sciences
Classification: Likely benign for NKX2-5-related condition. Last evaluated: 2025-03-31. Review status: criteria provided, single submitter. Criteria: ACMG Guidelines, 2015. Collection method: clinical testing. Allele origin: germline.
Comment: This variant is classified as likely benign based on ACMG/AMP sequence variant interpretation guidelines (Richards et al. 2015 PMID: 25741868, with internal and published modifications).

Ambry Genetics
Classification: Likely benign for Cardiovascular phenotype. Last evaluated: 2020-11-15. Review status: criteria provided, single submitter. Criteria: Ambry Variant Classification Scheme 2023. Collection method: clinical testing. Allele origin: germline.

NM_004387.4(NKX2-5):c.687A>T (p.Pro229=)

Gene: NKX2-5 (NK2 homeobox 5; minus strand). Cytogenetic location: 5q35.1.
Variant type: single nucleotide variant.
Coding change: c.687A>T on transcript NM_004387.4 (MANE Select); coding-DNA position 687, A replaced by T.
Protein change: p.Pro229=; no amino-acid change (proline 229 retained).
Molecular consequence: synonymous variant. On other transcripts: 3 prime UTR variant (2).
Genome position (GRCh38, 1-based): chr5:173,232,857, T>A on the plus strand (A>T on the coding strand, the complement: NKX2-5 is on the minus strand). VCF-style: chr5-173232857-T-A. GRCh37 (hg19) VCF-style: chr5-172659860-T-A.
Other names: c.*640A>T (NM_001166175.2); c.*486A>T (NM_001166176.2).
Identifiers: ClinVar variation 1755917 (VCV001755917.3), dbSNP rs2480072231, ClinGen allele CA447974657.
Genomic context (GRCh38, chr5:173,232,857, plus strand): 5'-ACCGTAGGGATTGAGGCCCACGCCGTAGGCAGGCGCGTAGGGCGCCGAGTCCCCTAGGCA[T>A]GGCTTGCCATCGCGCACCAGCACTGGCACCGCGATCCTGCGGGCAGGCGGCGGCGGCGGC-3'
Protein context (NP_004378.1, residues 219-239): AVPVLVRDGK[Pro229=]CLGDSAPYAP